The following is an entry in ClinVar:

ClinVar aggregate classification (germline): Uncertain significance. Review status: criteria provided, multiple submitters, no conflicts (2 of 4 stars). 2 submissions from 2 submitters: Uncertain significance (2). Last evaluated 2023-03-30.

Conditions:
CHARGE syndrome (CHARGE). Also called: Coloboma, heart anomaly, choanal atresia, retardation, genital and ear anomalies; CHARGE association; Hall-Hittner syndrome; Hittner Hirsch Kreh syndrome; CHARGE ASSOCIATION--COLOBOMA, HEART ANOMALY, CHOANAL ATRESIA, RETARDATION, GENITAL AND EAR ANOMALIES. Identifiers: Orphanet 138, MedGen C0265354, MONDO:0008965.

Allele frequency attached by ClinVar (database versions not stated): gnomAD exomes below 0.00001.
gnomAD v4.1: 3 of 1,605,092 alleles (0.00019%); highest among the groups gnomAD compares: Non-Finnish European, 0.00026%; no homozygotes.

Submissions (2):

Labcorp Genetics (formerly Invitae), Labcorp
Classification: Uncertain significance for CHARGE syndrome. Last evaluated: 2023-03-30. Review status: criteria provided, single submitter. Criteria: Invitae Variant Classification Sherloc (09022015). Collection method: clinical testing. Allele origin: germline.
Comment: Advanced modeling of protein sequence and biophysical properties (such as structural, functional, and spatial information, amino acid conservation, physicochemical variation, residue mobility, and thermodynamic stability) has been performed at Invitae for this missense variant, however the output from this modeling did not meet the statistical confidence thresholds required to predict the impact of this variant on CHD7 protein function. In summary, the available evidence is currently insufficient to determine the role of this variant in disease. Therefore, it has been classified as a Variant of Uncertain Significance. ClinVar contains an entry for this variant (Variation ID: 1702641). This sequence change replaces arginine, which is basic and polar, with cysteine, which is neutral and slightly polar, at codon 2702 of the CHD7 protein (p.Arg2702Cys). This variant is not present in population databases (gnomAD no frequency). This missense change has been observed in individual(s) with CHARGE syndrome (PMID: 21158681).

GeneDx
Classification: Uncertain significance. Last evaluated: 2022-08-22. Review status: criteria provided, single submitter. Criteria: GeneDx Variant Classification Process June 2021. Collection method: clinical testing. Allele origin: germline. Affected: yes.
Comment: Not observed at significant frequency in large population cohorts (gnomAD); In silico analysis supports that this missense variant has a deleterious effect on protein structure/function; Has not been previously published as pathogenic or benign to our knowledge

Literature cited by the submitters: PubMed 21158681 (cited by Labcorp Genetics (formerly Invitae), Labcorp).

NM_017780.4(CHD7):c.8104C>T (p.Arg2702Cys)

Gene: CHD7 (chromodomain helicase DNA binding protein 7; plus strand). Cytogenetic location: 8q12.2.
Variant type: single nucleotide variant.
Coding change: c.8104C>T on transcript NM_017780.4 (MANE Select); coding-DNA position 8104, C replaced by T.
Protein change: p.Arg2702Cys; replaces arginine 2702 with cysteine.
Molecular consequence: missense variant.
Genome position (GRCh38, 1-based): chr8:60,865,043, C>T. VCF-style: chr8-60865043-C-T. GRCh37 (hg19) VCF-style: chr8-61777602-C-T.
Other names: c.1957C>T, p.Arg653Cys (NM_001316690.1); short protein forms R2702C, R653C.
Identifiers: ClinVar variation 1702641 (VCV001702641.7), dbSNP rs1373315351, ClinGen allele CA371307206.